The following is an entry in ClinVar:

ClinVar aggregate classification (germline): Uncertain significance (1 of 4 stars; one submission).

Conditions:
Intellectual developmental disorder with autistic features and language delay, with or without seizures. Identifiers: MedGen C5394447, MONDO:0030051, OMIM 618906.

gnomAD v4.1: 47 of 1,613,684 alleles (0.0029%); highest among the groups gnomAD compares: Middle Eastern, 0.016%; no homozygotes.

Submission:

Neuberg Centre For Genomic Medicine, NCGM
Classification: Uncertain significance for Intellectual developmental disorder with autistic features and language delay, with or without seizures. Last evaluated: 2023-06-22. Review status: criteria provided, single submitter. Criteria: ACMG Guidelines, 2015. Collection method: clinical testing. Allele origin: germline. Inheritance: Autosomal dominant inheritance. Affected: yes.
Comment: The observed missense c.4406G>A (p.Arg1469Gln) variant in TANC2 gene has not been reported previously as a pathogenic variant nor as a benign variant, to our knowledge. The p.Arg1469Gln variant is present with allele frequency of 0.0004% in gnomAD Exomes. This variant has not been submitted to the ClinVar database. Computational evidence (Polyphen - Probably Damaging, SIFT - Tolerated and MutationTaster - Disease causing) predicts conflicting evidence on protein structure and function for this variant. The reference amino acid of p.Arg1469Gln in TANC2 is predicted as conserved by GERP++ and PhyloP across 100 vertebrates. The amino acid Arg at position 1469 is changed to a Gln changing protein sequence and it might alter its composition and physico-chemical properties. For these reasons, this variant has been classified as a Variant of Uncertain Significance (VUS).

NM_001394998.1(TANC2):c.4658G>A (p.Arg1553Gln)

Gene: TANC2 (tetratricopeptide repeat, ankyrin repeat and coiled-coil containing 2; plus strand). Cytogenetic location: 17q23.3.
Variant type: single nucleotide variant.
Coding change: c.4658G>A on transcript NM_001394998.1 (MANE Select); coding-DNA position 4658, G replaced by A.
Protein change: p.Arg1553Gln; replaces arginine 1553 with glutamine.
Molecular consequence: missense variant.
Genome position (GRCh38, 1-based): chr17:63,420,388, G>A. VCF-style: chr17-63420388-G-A. GRCh37 (hg19) VCF-style: chr17-61497749-G-A.
Other names: c.4436G>A, p.Arg1479Gln (NM_001411076.1); c.4406G>A, p.Arg1469Gln (NM_025185.4); short protein forms R1469Q, R1479Q, R1553Q.
Identifiers: ClinVar variation 3377624 (VCV003377624.1).